The following is an entry in ClinVar:

NM_006087.4(TUBB4A):c.1060T>A (p.Cys354Ser)

Gene: TUBB4A (tubulin beta 4A class IVa; minus strand). Cytogenetic location: 19p13.3.
Variant type: single nucleotide variant.
Coding change: c.1060T>A on transcript NM_006087.4 (MANE Select); coding-DNA position 1060, T replaced by A.
Protein change: p.Cys354Ser; replaces cysteine 354 with serine.
Molecular consequence: missense variant.
Genome position (GRCh38, 1-based): chr19:6,495,439, A>T on the plus strand (T>A on the coding strand, the complement: TUBB4A is on the minus strand). VCF-style: chr19-6495439-A-T. GRCh37 (hg19) VCF-style: chr19-6495450-A-T.
Other names: c.1213T>A, p.Cys405Ser (NM_001289123.2); c.1195T>A, p.Cys399Ser (NM_001289127.2); c.1060T>A, p.Cys354Ser (NM_001289129.2); c.844T>A, p.Cys282Ser (NM_001289130.2, NM_001289131.2); short protein forms C282S, C405S, C354S, C399S.
Identifiers: ClinVar variation 2135411 (VCV002135411.4), dbSNP rs2512752293, ClinGen allele CA403589074.
Genomic context (GRCh38, chr19:6,495,439, plus strand): 5'-TGGCCGTGCTGTTGCCGATGAAGGTCGCGGCCATCTTCAGGCCGCGGGGCGGGATGTCGC[A>T]CACGGCCGTCTTCACGTTGTTGGGGATCCACTCCACGAAGTAGCTGCTGTTCTTGCTCTG-3'
Protein context (NP_006078.2, residues 344-364): WIPNNVKTAV[Cys354Ser]DIPPRGLKMA

ClinVar aggregate classification (germline): Uncertain significance (1 of 4 stars; one submission).

Conditions:
Leukodystrophy, hypomyelinating, 6. Also called: Hypomyelination with Atrophy of Basal Ganglia and Cerebellum (H-ABC); LEUKODYSTROPHY, HYPOMYELINATING, WITH ATROPHY OF THE BASAL GANGLIA AND CEREBELLUM; TUBB4A-Associated Leukodystrophy. Identifiers: Orphanet 139441, MedGen C2676244, MONDO:0012905, OMIM 612438.

Submission:

Labcorp Genetics (formerly Invitae), Labcorp
Classification: Uncertain significance for Leukodystrophy, hypomyelinating, 6. Last evaluated: 2022-05-08. Review status: criteria provided, single submitter. Criteria: Invitae Variant Classification Sherloc (09022015). Collection method: clinical testing. Allele origin: germline.
Comment: In summary, the available evidence is currently insufficient to determine the role of this variant in disease. Therefore, it has been classified as a Variant of Uncertain Significance. Experimental studies have shown that this missense change affects TUBB4A function (PMID: 23190606). Algorithms developed to predict the effect of missense changes on protein structure and function are either unavailable or do not agree on the potential impact of this missense change (SIFT: "Deleterious"; PolyPhen-2: "Probably Damaging"; Align-GVGD: "Class C0"). This variant has not been reported in the literature in individuals affected with TUBB4A-related conditions. This variant is not present in population databases (gnomAD no frequency). This sequence change replaces cysteine, which is neutral and slightly polar, with serine, which is neutral and polar, at codon 354 of the TUBB4A protein (p.Cys354Ser).

Literature cited by the submitters: PubMed 23190606.